The following is an entry in ClinVar:

ClinVar aggregate classification (germline): Uncertain significance (1 of 4 stars; one submission).

Submission:

GeneDx
Classification: Uncertain significance. Last evaluated: 2025-02-21. Review status: criteria provided, single submitter. Criteria: GeneDx Variant Classification Process June 2021. Collection method: clinical testing. Allele origin: germline. Affected: yes.
Comment: Not observed at significant frequency in large population cohorts (gnomAD); In silico analysis supports that this missense variant has a deleterious effect on protein structure/function; In silico analysis suggests this variant may impact gene splicing. In the absence of RNA/functional studies, the actual effect of this sequence change is unknown.; Has not been previously published as pathogenic or benign to our knowledge

NM_000875.5(IGF1R):c.1826C>T (p.Ser609Leu)

Gene: IGF1R (insulin like growth factor 1 receptor; plus strand). Cytogenetic location: 15q26.3.
Variant type: single nucleotide variant.
Coding change: c.1826C>T on transcript NM_000875.5 (MANE Select); coding-DNA position 1826, C replaced by T.
Protein change: p.Ser609Leu; replaces serine 609 with leucine.
Molecular consequence: missense variant.
Genome position (GRCh38, 1-based): chr15:98,913,280, C>T. VCF-style: chr15-98913280-C-T. GRCh37 (hg19) VCF-style: chr15-99456509-C-T.
Other names: c.1826C>T, p.Ser609Leu (NM_001291858.2); short protein forms S609L.
Identifiers: ClinVar variation 4077261 (VCV004077261.1).